The following is an entry in ClinVar:

ClinVar aggregate classification (germline): Uncertain significance. Review status: criteria provided, multiple submitters, no conflicts (2 of 4 stars). 2 submissions from 2 submitters: Uncertain significance (2). Last evaluated 2025-02-09.

Conditions:
Inborn genetic diseases. Identifiers: MedGen C0950123, MeSH D030342.

Allele frequency attached by ClinVar (database versions not stated): gnomAD 0.00001; TOPMed 0.00001; gnomAD exomes 0.00003.
gnomAD v4.1: 39 of 1,612,512 alleles (0.0024%); highest among the groups gnomAD compares: Admixed American, 0.0033%; no homozygotes.

Submissions (2):

Ambry Genetics
Classification: Uncertain significance for Inborn genetic diseases. Last evaluated: 2025-02-09. Review status: criteria provided, single submitter. Criteria: Ambry Variant Classification Scheme 2023. Collection method: clinical testing. Allele origin: germline.

Labcorp Genetics (formerly Invitae), Labcorp
Classification: Uncertain significance. Last evaluated: 2022-10-07. Review status: criteria provided, single submitter. Criteria: Invitae Variant Classification Sherloc (09022015). Collection method: clinical testing. Allele origin: germline.
Comment: This variant has not been reported in the literature in individuals affected with CD2AP-related conditions. In summary, the available evidence is currently insufficient to determine the role of this variant in disease. Therefore, it has been classified as a Variant of Uncertain Significance. Advanced modeling of protein sequence and biophysical properties (such as structural, functional, and spatial information, amino acid conservation, physicochemical variation, residue mobility, and thermodynamic stability) performed at Invitae indicates that this missense variant is not expected to disrupt CD2AP protein function. This variant is present in population databases (no rsID available, gnomAD 0.003%). This sequence change replaces proline, which is neutral and non-polar, with leucine, which is neutral and non-polar, at codon 410 of the CD2AP protein (p.Pro410Leu).

NM_012120.3(CD2AP):c.1229C>T (p.Pro410Leu)

Gene: CD2AP (CD2 associated protein; plus strand). Cytogenetic location: 6p12.3.
Variant type: single nucleotide variant.
Coding change: c.1229C>T on transcript NM_012120.3 (MANE Select); coding-DNA position 1229, C replaced by T.
Protein change: p.Pro410Leu; replaces proline 410 with leucine.
Molecular consequence: missense variant.
Genome position (GRCh38, 1-based): chr6:47,595,981, C>T. VCF-style: chr6-47595981-C-T. GRCh37 (hg19) VCF-style: chr6-47563717-C-T.
Other names: c.1229C>T (NM_012120.2); short protein forms P410L.
Identifiers: ClinVar variation 2174165 (VCV002174165.5), dbSNP rs994227233, ClinGen allele CA137958418.
Genomic context (GRCh38, chr6:47,595,981, plus strand): 5'-AGAAACCTACTCCACCTACCAAAGCCAGTAATTTACTGAGATCTTCTGGAACAGTGTACC[C>T]AAAGCGACCTGAAAAACCAGTTCCTCCACCACCTCCTATAGCCAAGTAAGTTTTACCTAA-3'
Protein context (NP_036252.1, residues 400-420): NLLRSSGTVY[Pro410Leu]KRPEKPVPPP